The following is an entry in ClinVar:

NM_004218.4(RAB11B):c.237-12_237-11del

Gene: RAB11B (RAB11B, member RAS oncogene family; plus strand). Cytogenetic location: 19p13.2.
Variant type: Deletion.
Coding change: c.237-12_237-11del on transcript NM_004218.4 (MANE Select); 12 bases into the intron before coding-DNA position 237 through 11 bases into the intron before coding-DNA position 237, 2 bases deleted (CT; older notation c.237-12_237-11delCT).
Molecular consequence: intron variant.
Genome position (GRCh38, 1-based): chr19:8,402,074-8,402,075, CT deleted. VCF-style (leftmost placement, unchanged base first): chr19-8402073-CCT-C. GRCh37 (hg19) VCF-style: chr19-8466957-CCT-C.
Identifiers: ClinVar variation 4813412 (VCV004813412.1).

ClinVar aggregate classification (germline): Uncertain significance (1 of 4 stars; one submission).

Submission:

GeneDx
Classification: Uncertain significance. Last evaluated: 2025-09-15. Review status: criteria provided, single submitter. Criteria: GeneDx Variant Classification Process June 2021. Collection method: clinical testing. Allele origin: germline. Affected: yes.
Comment: Not observed at significant frequency in large population cohorts (gnomAD); Has not been previously published as pathogenic or benign to our knowledge; In silico analysis is inconclusive as to whether the variant alters gene splicing. In the absence of RNA/functional studies, the actual effect of this sequence change is unknown.